The following is an entry in ClinVar:

ClinVar aggregate classification (germline): Uncertain significance. Review status: criteria provided, multiple submitters, no conflicts (2 of 4 stars). 2 submissions from 2 submitters: Uncertain significance (2). Last evaluated 2025-11-27.

Allele frequency attached by ClinVar (database versions not stated): gnomAD 0.00001; gnomAD exomes 0.00002; ExAC 0.00004; 1000 Genomes Project 30x 0.00016; 1000 Genomes Project 0.00020.
gnomAD v4.1: 11 of 1,614,128 alleles (0.00068%); highest among the groups gnomAD compares: Middle Eastern, 0.082%; no homozygotes.

Submissions (2):

Labcorp Genetics (formerly Invitae), Labcorp
Classification: Uncertain significance. Last evaluated: 2025-11-27. Review status: criteria provided, single submitter. Criteria: Invitae Variant Classification Sherloc (09022015). Collection method: clinical testing. Allele origin: germline.
Comment: This sequence change replaces proline, which is neutral and non-polar, with serine, which is neutral and polar, at codon 4 of the MS4A1 protein (p.Pro4Ser). This variant is present in population databases (rs200768099, gnomAD 0.006%). This variant has not been reported in the literature in individuals affected with MS4A1-related conditions. ClinVar contains an entry for this variant (Variation ID: 1348931). An algorithm developed to predict the effect of missense changes on protein structure and function (PolyPhen-2) suggests that this variant is likely to be tolerated. In summary, the available evidence is currently insufficient to determine the role of this variant in disease. Therefore, it has been classified as a Variant of Uncertain Significance.

Ambry Genetics
Classification: Uncertain significance. Last evaluated: 2023-05-23. Review status: criteria provided, single submitter. Criteria: Ambry Variant Classification Scheme 2023. Collection method: clinical testing. Allele origin: germline.

NM_152866.3(MS4A1):c.10C>T (p.Pro4Ser)

Gene: MS4A1 (membrane spanning 4-domains A1; plus strand). Cytogenetic location: 11q12.2.
Variant type: single nucleotide variant.
Coding change: c.10C>T on transcript NM_152866.3 (MANE Select); coding-DNA position 10, C replaced by T.
Protein change: p.Pro4Ser; replaces proline 4 with serine.
Molecular consequence: missense variant.
Genome position (GRCh38, 1-based): chr11:60,462,384, C>T. VCF-style: chr11-60462384-C-T. GRCh37 (hg19) VCF-style: chr11-60229857-C-T.
Other names: c.10C>T (NM_152866.2); c.10C>T, p.Pro4Ser (NM_021950.4, NM_152867.2); short protein forms P4S.
Identifiers: ClinVar variation 1348931 (VCV001348931.7), dbSNP rs200768099, ClinGen allele CA6024848.
Genomic context (GRCh38, chr11:60,462,384, plus strand): 5'-TGCTCTCCTCATTTTGTTATTTGTTTTATTTTTAGGAGTTTTGAGAGCAAAATGACAACA[C>T]CCAGAAATTCAGTAAATGGGACTTTCCCGGCAGAGCCAATGAAAGGCCCTATTGCTATGC-3'
Protein context (NP_690605.1, residues 1-14): MTT[Pro4Ser]RNSVNGTFPA